The following is an entry in ClinVar:

NM_001375524.1(TRRAP):c.7558T>C (p.Cys2520Arg)

Gene: TRRAP (transformation/transcription domain associated protein; plus strand). Cytogenetic location: 7q22.1.
Variant type: single nucleotide variant.
Coding change: c.7558T>C on transcript NM_001375524.1 (MANE Select); coding-DNA position 7558, T replaced by C.
Protein change: p.Cys2520Arg; replaces cysteine 2520 with arginine.
Molecular consequence: missense variant.
Genome position (GRCh38, 1-based): chr7:98,970,157, T>C. VCF-style: chr7-98970157-T-C. GRCh37 (hg19) VCF-style: chr7-98567780-T-C.
Other names: c.7537T>C, p.Cys2513Arg (NM_001244580.2); c.7483T>C, p.Cys2495Arg (NM_003496.4); short protein forms C2495R, C2513R, C2520R.
Identifiers: ClinVar variation 989346 (VCV000989346.4), dbSNP rs1792347521, ClinGen allele CA368295870.

ClinVar aggregate classification (germline): Uncertain significance (1 of 4 stars; one submission).

Conditions:
TRRAP-related neurodevelopmental disorder.

Submission:

Illumina Laboratory Services, Illumina
Classification: Uncertain significance for TRRAP-related neurodevelopmental disorder. Last evaluated: 2019-07-30. Review status: criteria provided, single submitter. Criteria: ICSLVariantClassificationCriteria RUGD 01 April 2020. Collection method: clinical testing. Allele origin: unknown.
Comment: The TRRAP c.7537T>C (p.Cys2513Arg) variant is a missense variant. A literature search was performed for the gene, cDNA change, and amino acid change. No publications were found based on this search. This variant is not found in the Genome Aggregation Database in a region of good sequence coverage, so is presumed to be rare. Based on the limited evidence, the p.Cys2513Arg variant is classified as a variant of uncertain significance for TRRAP-related neurodevelopmental disorder.